The following is an entry in ClinVar:

NM_000051.4(ATM):c.5814T>C (p.Tyr1938=)

Genes: ATM (ATM serine/threonine kinase; plus strand), C11orf65 (chromosome 11 open reading frame 65; minus strand). Cytogenetic location: 11q22.3.
Variant type: single nucleotide variant.
Coding change: c.5814T>C on transcript NM_000051.4 (MANE Select); coding-DNA position 5814, T replaced by C.
Protein change: p.Tyr1938=; no amino-acid change (tyrosine 1938 retained).
Molecular consequence: synonymous variant. On other transcripts: intron variant (2).
Genome position (GRCh38, 1-based): chr11:108,310,211, T>C. VCF-style: chr11-108310211-T-C. GRCh37 (hg19) VCF-style: chr11-108180938-T-C.
Other names: c.5814T>C, p.Tyr1938= (NM_001351834.2); c.641-1140A>G (NM_001330368.2); c.*39-1140A>G (NM_001351110.2).
Identifiers: ClinVar variation 3254440 (VCV003254440.1), dbSNP rs2136014084.

ClinVar aggregate classification (germline): Benign (1 of 4 stars; one submission).

Conditions:
Familial cancer of breast. Also called: hereditary breast carcinoma; BREAST CANCER, FAMILIAL; Hereditary breast cancer. Identifiers: Orphanet 227535, MedGen C0346153, MONDO:0016419, OMIM 114480. Disease mechanism: loss of function.

Submission:

Myriad Genetics, Inc.
Classification: Benign for Familial cancer of breast. Last evaluated: 2024-05-24. Review status: criteria provided, single submitter. Criteria: Myriad Autosomal Dominant, Autosomal Recessive and X-Linked Classification Criteria (2023). Collection method: clinical testing. Allele origin: unknown.
Comment: This variant is considered benign. This variant is a silent/synonymous amino acid change and it is not expected to impact splicing.